The following is an entry in ClinVar:

ClinVar aggregate classification (germline): Uncertain significance. Review status: criteria provided, multiple submitters, no conflicts (2 of 4 stars). 7 submissions from 6 submitters: Uncertain significance (7). Last evaluated 2025-12-21.

Conditions:
Mitochondrial complex IV deficiency, nuclear type 3. Also called: Mitochondrial complex 4 deficiency, nuclear type 3. Identifiers: MedGen C5436682, MONDO:0033635, OMIM 619046.
Inborn genetic diseases. Identifiers: MedGen C0950123, MeSH D030342.
Leigh syndrome (NULS). Also called: Leigh's necrotizing encephalopathy; Leigh's disease; Leigh's syndrome; Leigh Disease; Subacute necrotizing encephalopathy; Necrotizing encephalopathy infantile subacute of Leigh. Identifiers: Orphanet 506, MedGen C2931891, MONDO:0009723, OMIM 256000.
Mitochondrial complex IV deficiency, nuclear type 1 (MC4DN1). Also called: COX DEFICIENCY; Mitochondrial complex IV deficiency; Complex 4 mitochondrial respiratory chain deficiency; Deficiency of mitochondrial respiratory chain complex4; Complex IV deficiency. Identifiers: MedGen C5435656, MONDO:0700250, OMIM 220110. Disease mechanism: loss of function.

Allele frequency attached by ClinVar (database versions not stated): ExAC 0.00003; gnomAD exomes 0.00004 and 0.00006; gnomAD 0.00005; TOPMed 0.00005.
gnomAD v4.1: 99 of 1,613,534 alleles (0.0061%); highest among the groups gnomAD compares: South Asian, 0.0099%; no homozygotes.

Submissions (7):

Labcorp Genetics (formerly Invitae), Labcorp
Classification: Uncertain significance. Last evaluated: 2025-12-21. Review status: criteria provided, single submitter. Criteria: Invitae Variant Classification Sherloc (09022015). Collection method: clinical testing. Allele origin: germline.
Comment: This sequence change replaces arginine, which is basic and polar, with glutamine, which is neutral and polar, at codon 354 of the COX10 protein (p.Arg354Gln). This variant is present in population databases (rs745492359, gnomAD 0.006%). This variant has not been reported in the literature in individuals affected with COX10-related conditions. ClinVar contains an entry for this variant (Variation ID: 444401). Invitae Evidence Modeling of protein sequence and biophysical properties (such as structural, functional, and spatial information, amino acid conservation, physicochemical variation, residue mobility, and thermodynamic stability) indicates that this missense variant is not expected to disrupt COX10 protein function with a negative predictive value of 80%. In summary, the available evidence is currently insufficient to determine the role of this variant in disease. Therefore, it has been classified as a Variant of Uncertain Significance.

Ambry Genetics
Classification: Uncertain significance for Inborn genetic diseases. Last evaluated: 2025-07-15. Review status: criteria provided, single submitter. Criteria: Ambry Variant Classification Scheme 2023. Collection method: clinical testing. Allele origin: germline.

GeneDx
Classification: Uncertain significance. Last evaluated: 2024-07-18. Review status: criteria provided, single submitter. Criteria: GeneDx Variant Classification Process June 2021. Collection method: clinical testing. Allele origin: germline. Affected: yes.
Comment: Not observed at significant frequency in large population cohorts (gnomAD); In silico analysis supports that this missense variant has a deleterious effect on protein structure/function; Has not been previously published as pathogenic or benign to our knowledge

Fulgent Genetics
Classification: Uncertain significance for Mitochondrial complex IV deficiency, nuclear type 3. Last evaluated: 2023-12-22. Review status: criteria provided, single submitter. Criteria: ACMG Guidelines, 2015. Collection method: clinical testing. Allele origin: germline.

Laboratory of Inherited Metabolic Diseases, Research centre for medical genetics
Classification: Uncertain significance for Mitochondrial complex IV deficiency, nuclear type 3. Last evaluated: 2023-01-31. Review status: criteria provided, single submitter. Criteria: ACMG Guidelines, 2015. Collection method: clinical testing. Allele origin: maternal. Inheritance: Autosomal recessive inheritance. Affected: yes. Observed: 1 variant allele.

Fulgent Genetics
Classification: Uncertain significance for Mitochondrial complex IV deficiency, nuclear type 1; Leigh syndrome. Last evaluated: 2018-10-31. Review status: criteria provided, single submitter. Criteria: ACMG Guidelines, 2015. Collection method: clinical testing. Allele origin: unknown.

CeGaT Center for Human Genetics Tuebingen
Classification: Uncertain significance. Last evaluated: 2017-05-01. Review status: criteria provided, single submitter. Criteria: CeGaT Center For Human Genetics Tuebingen Variant Classification Criteria Version 2. Collection method: clinical testing. Allele origin: germline. Affected: yes. Observed: 1 variant allele.

NM_001303.4(COX10):c.1061G>A (p.Arg354Gln)

Gene: COX10 (cytochrome c oxidase assembly factor heme A:farnesyltransferase COX10; plus strand). Cytogenetic location: 17p12.
Variant type: single nucleotide variant.
Coding change: c.1061G>A on transcript NM_001303.4 (MANE Select); coding-DNA position 1061, G replaced by A.
Protein change: p.Arg354Gln; replaces arginine 354 with glutamine.
Molecular consequence: missense variant.
Genome position (GRCh38, 1-based): chr17:14,206,942, G>A. VCF-style: chr17-14206942-G-A. GRCh37 (hg19) VCF-style: chr17-14110259-G-A.
Other names: c.1061G>A (NM_001303.3); short protein forms R354Q.
Identifiers: ClinVar variation 444401 (VCV000444401.56), dbSNP rs745492359, ClinGen allele CA8402517.
Genomic context (GRCh38, chr17:14,206,942, plus strand): 5'-GTGAAGACTACTCCCGGGGCGGCTACTGCATGATGTCGGTCACCCACCCGGGCCTGTGCC[G>A]GCGCGTGGCGCTGCGCCACTGCCTGGCCCTGCTCGTGCTGTCCGCAGCAGCCCCTGTGCT-3'
Protein context (NP_001294.2, residues 344-364): MMSVTHPGLC[Arg354Gln]RVALRHCLAL